The following is an entry in ClinVar:

ClinVar aggregate classification (germline): Uncertain significance (0 of 4 stars; one submission).

Conditions:
PCNT-related disorder. Also called: PCNT-related condition.

Allele frequency attached by ClinVar (database versions not stated): gnomAD 0.00001; gnomAD exomes 0.00001; TOPMed 0.00001.

Submission:

PreventionGenetics, part of Exact Sciences
Classification: Uncertain significance for PCNT-related condition. Last evaluated: 2024-03-04. Review status: no assertion criteria provided. Collection method: clinical testing. Allele origin: germline.
Comment: The PCNT c.857G>A variant is predicted to result in the amino acid substitution p.Ser286Asn. To our knowledge, this variant has not been reported in the literature. This variant is reported in 0.0019% of alleles in individuals of European (Non-Finnish) descent in gnomAD. At this time, the clinical significance of this variant is uncertain due to the absence of conclusive functional and genetic evidence.

NM_006031.6(PCNT):c.857G>A (p.Ser286Asn)

Gene: PCNT (pericentrin; plus strand). Cytogenetic location: 21q22.3.
Variant type: single nucleotide variant.
Coding change: c.857G>A on transcript NM_006031.6 (MANE Select); coding-DNA position 857, G replaced by A.
Protein change: p.Ser286Asn; replaces serine 286 with asparagine.
Molecular consequence: missense variant.
Genome position (GRCh38, 1-based): chr21:46,346,879, G>A. VCF-style: chr21-46346879-G-A. GRCh37 (hg19) VCF-style: chr21-47766793-G-A.
Other names: c.503G>A, p.Ser168Asn (NM_001315529.2); short protein forms S168N, S286N.
Identifiers: ClinVar variation 2631835 (VCV002631835.2), dbSNP rs1234581565, ClinGen allele CA410553249.